The following is an entry in ClinVar:

NM_005591.4(MRE11):c.1875A>C (p.Lys625Asn)

Gene: MRE11 (MRE11 double strand break repair nuclease; minus strand). Cytogenetic location: 11q21.
Variant type: single nucleotide variant.
Coding change: c.1875A>C on transcript NM_005591.4 (MANE Select); coding-DNA position 1875, A replaced by C.
Protein change: p.Lys625Asn; replaces lysine 625 with asparagine.
Molecular consequence: missense variant.
Genome position (GRCh38, 1-based): chr11:94,437,228, T>G on the plus strand (A>C on the coding strand, the complement: MRE11 is on the minus strand). VCF-style: chr11-94437228-T-G. GRCh37 (hg19) VCF-style: chr11-94170394-T-G.
Other names: c.1872A>C, p.Lys624Asn (NM_001330347.2); c.1791A>C, p.Lys597Asn (NM_005590.4); short protein forms K625N, K624N, K597N.
Identifiers: ClinVar variation 466438 (VCV000466438.13), dbSNP rs907660509, ClinGen allele CA382374902.

ClinVar aggregate classification (germline): Uncertain significance. Review status: criteria provided, multiple submitters, no conflicts (2 of 4 stars). 3 submissions from 3 submitters: Uncertain significance (3). Last evaluated 2022-10-31.

Conditions:
Ataxia-telangiectasia-like disorder (ATLD). Identifiers: MedGen C1858391, MONDO:0011457.
Hereditary cancer-predisposing syndrome. Also called: Neoplastic Syndromes, Hereditary; Tumor predisposition; Hereditary Cancer Syndrome; Hereditary neoplastic syndrome. Identifiers: Orphanet 140162, MedGen C0027672, MeSH D009386, MONDO:0015356.

Allele frequency attached by ClinVar (database versions not stated): TOPMed below 0.00001; gnomAD 0.00001.
gnomAD v4.1: 11 of 1,612,698 alleles (0.00068%); highest among the groups gnomAD compares: African/African-American, 0.0013%; no homozygotes.

Submissions (3):

Ambry Genetics
Classification: Uncertain significance for Hereditary cancer-predisposing syndrome. Last evaluated: 2022-10-31. Review status: criteria provided, single submitter. Criteria: Ambry Variant Classification Scheme 2023. Collection method: clinical testing. Allele origin: germline.
Comment: The p.K625N variant (also known as c.1875A>C), located in coding exon 16 of the MRE11A gene, results from an A to C substitution at nucleotide position 1875. The lysine at codon 625 is replaced by asparagine, an amino acid with similar properties. This amino acid position is well conserved in available vertebrate species. In addition, this alteration is predicted to be tolerated by in silico analysis. Since supporting evidence is limited at this time, the clinical significance of this alteration remains unclear.

Labcorp Genetics (formerly Invitae), Labcorp
Classification: Uncertain significance for Ataxia-telangiectasia-like disorder. Last evaluated: 2022-08-09. Review status: criteria provided, single submitter. Criteria: Invitae Variant Classification Sherloc (09022015). Collection method: clinical testing. Allele origin: germline.
Comment: This sequence change replaces lysine, which is basic and polar, with asparagine, which is neutral and polar, at codon 625 of the MRE11 protein (p.Lys625Asn). This variant is not present in population databases (gnomAD no frequency). This variant has not been reported in the literature in individuals affected with MRE11-related conditions. ClinVar contains an entry for this variant (Variation ID: 466438). Algorithms developed to predict the effect of missense changes on protein structure and function (SIFT, PolyPhen-2, Align-GVGD) all suggest that this variant is likely to be tolerated. In summary, the available evidence is currently insufficient to determine the role of this variant in disease. Therefore, it has been classified as a Variant of Uncertain Significance.

Athena Diagnostics
Classification: Uncertain significance. Last evaluated: 2022-05-26. Review status: criteria provided, single submitter. Criteria: Athena Diagnostics Criteria. Collection method: clinical testing. Allele origin: unknown.